The following is an entry in ClinVar:

ClinVar aggregate classification (germline): Conflicting classifications of pathogenicity. Review status: criteria provided, conflicting classifications (1 of 4 stars). 11 submissions from 11 submitters: Uncertain significance (8); Benign (1); Likely benign (1). 1 of the submissions does not count toward it. Last evaluated 2026-01-20.
ClinVar aggregate classification (oncogenicity): Uncertain significance (1 of 4 stars; one submission).

Conditions:
BAP1-related disorder. Also called: BAP1-related condition.
Melanoma, uveal, susceptibility to, 2 (UVM2). Also called: Melanoma, uveal 2. Identifiers: Orphanet 39044, MedGen C1847723, MONDO:0011696, OMIM 606661.
Kury-Isidor syndrome (KURIS). Identifiers: MedGen C5676925, MONDO:0859230, OMIM 619762.
BAP1-related tumor predisposition syndrome (TPDS1). Also called: BAP1 tumor predisposition syndrome; Tumor susceptibility linked to germline BAP1 mutations; TUMOR PREDISPOSITION SYNDROME 1; COMMON Syndrome. Identifiers: Orphanet 289539, MedGen C3280492, MONDO:0013692, OMIM 614327.
Hereditary cancer. Identifiers: MedGen C1333600.
Hereditary cancer-predisposing syndrome. Also called: Neoplastic Syndromes, Hereditary; Tumor predisposition; Hereditary Cancer Syndrome; Hereditary neoplastic syndrome. Identifiers: Orphanet 140162, MedGen C0027672, MeSH D009386, MONDO:0015356.
Neoplasm. Also called: tumor; Neoplasms; Neoplasm (disease). Identifiers: MedGen C0027651, MeSH D009369, MONDO:0005070, HP:0002664.

Submissions (12):

Labcorp Genetics (formerly Invitae), Labcorp
Classification: Uncertain significance for BAP1-related tumor predisposition syndrome. Last evaluated: 2026-01-20. Review status: criteria provided, single submitter. Criteria: Invitae Variant Classification Sherloc (09022015). Collection method: clinical testing. Allele origin: germline.
Comment: This variant, c.1201_1212del, results in the deletion of 4 amino acid(s) of the BAP1 protein (p.Tyr401_Asp404del), but otherwise preserves the integrity of the reading frame. This variant is present in population databases (rs776606194, gnomAD 0.04%), and has an allele count higher than expected for a pathogenic variant. This variant has not been reported in the literature in individuals affected with BAP1-related conditions. ClinVar contains an entry for this variant (Variation ID: 412428). Experimental studies and prediction algorithms are not available or were not evaluated, and the functional significance of this variant is currently unknown. In summary, the available evidence is currently insufficient to determine the role of this variant in disease. Therefore, it has been classified as a Variant of Uncertain Significance.

Color Diagnostics, LLC DBA Color Health
Classification: Uncertain significance for Hereditary cancer-predisposing syndrome. Last evaluated: 2025-07-25. Review status: criteria provided, single submitter. Criteria: ACMG Guidelines, 2015. Collection method: clinical testing. Allele origin: germline.
Comment: This variant is causes a 4 amino acid deletion of codons 401 to 404 in exon 12 of the BAP1 protein. To our knowledge, functional studies have not been performed for this variant. This variant has been reported in an individual affected with kidney cancer (PMID: 29684080) and an individual affected with gastrointestinal neuroendocrine neoplasms (PMID: 36653904). This variant has been identified in 17/280226 chromosomes in the general population by the Genome Aggregation Database (gnomAD). The available evidence is insufficient to determine the role of this variant in disease conclusively. Therefore, this variant is classified as a Variant of Uncertain Significance.

GeneDx
Classification: Uncertain significance. Last evaluated: 2025-06-10. Review status: criteria provided, single submitter. Criteria: GeneDx Variant Classification Process June 2021. Collection method: clinical testing. Allele origin: germline. Affected: yes.
Comment: In-frame deletion of 4 amino acids in a non-repeat region; In silico analysis supports a deleterious effect on protein structure/function; Observed in an individual with kidney cancer (PMID: 29684080); This variant is associated with the following publications: (PMID: 36653904, 29684080)

Center for Genomic Medicine, Rigshospitalet, Copenhagen University Hospital
Classification: Uncertain significance for Neoplasm. Last evaluated: 2025-03-04. Review status: criteria provided, single submitter. Criteria: ClinGen/CGC/VICC Guidelines for Oncogenicity, 2022. Collection method: clinical testing. Allele origin: somatic. Affected: yes.

Mendelics
Classification: Likely benign for Hereditary cancer. Last evaluated: 2025-02-26. Review status: criteria provided, single submitter. Criteria: ACMG Guidelines, 2015. Collection method: clinical testing. Allele origin: unknown.
Comment: This variant is considered likely benign or benign based on one or more of the following: it is predicted to be benign by multiple in silico algorithms, and/or has population frequency not consistent with disease, and/or has normal protein function, and/or has lack of segregation with disease, and/or has been detected in co-occurrence with known pathogenic variant, and/or has lack of disease association in case-control studies, and/or is located in a region inconsistent with a known cause of pathogenicity.

Fulgent Genetics
Classification: Uncertain significance for Melanoma, uveal, susceptibility to, 2; BAP1-related tumor predisposition syndrome; Kury-Isidor syndrome. Last evaluated: 2024-05-02. Review status: criteria provided, single submitter. Criteria: ACMG Guidelines, 2015. Collection method: clinical testing. Allele origin: germline.

Baylor Genetics
Classification: Uncertain significance for BAP1-related tumor predisposition syndrome. Last evaluated: 2024-01-16. Review status: criteria provided, single submitter. Criteria: ACMG Guidelines, 2015. Collection method: clinical testing. Allele origin: unknown.

Quest Diagnostics Nichols Institute San Juan Capistrano
Classification: Uncertain significance. Last evaluated: 2023-11-24. Review status: criteria provided, single submitter. Criteria: Quest Diagnostics criteria. Collection method: clinical testing. Allele origin: unknown.
Comment: The BAP1 c.1201_1212del (p.Tyr401_Asp404del) variant has been reported in the published literature in an individual with features of Cowden/Cowden-like (CS/CS-like) and Bannayan-Riley-Ruvalcaba syndromes (BRRS) (PMID: 29684080 (2018)). The frequency of this variant in the general population, 0.0004 (14/35414 chromosomes in Admixed American subpopulation (Genome Aggregation Database)), is higher than would generally be expected for pathogenic variants in this gene. Based on the available information, we are unable to determine the clinical significance of this variant.

Ambry Genetics
Classification: Benign for Hereditary cancer-predisposing syndrome. Last evaluated: 2023-06-08. Review status: criteria provided, single submitter. Criteria: Ambry Variant Classification Scheme 2023. Collection method: clinical testing. Allele origin: germline.

Sema4
Classification: Uncertain significance for Hereditary cancer-predisposing syndrome. Last evaluated: 2021-09-29. Review status: criteria provided, single submitter. Criteria: Sema4 Curation Guidelines. Collection method: curation. Allele origin: germline.
Comment: The BAP1 c.1201_1212del (p.Y401_D404del) variant has been reported in a patient with kidney cancer (PMID: 29684080). This change results in a deletion of four conserved amino acids without altering the integrity of the reading frame. This variant was observed in 17/280226 chromosomes from large and broad populations by the Genome Aggregation Database, predominantly in individuals of the Latino heritage (14/35414, allele frequency is 0.040%) (PMID: 32461654). The population frequency of this variant is higher than expected for a pathogenic variant based on disease/syndrome prevalence and penetrance. The variant has been reported in ClinVar (Variation ID 412428). There is no indication that this variant causes disease, but the evidence is insufficient currently to prove that conclusively. In summary, the clinical significance of this variant is currently uncertain.

Revvity Omics, Revvity
Classification: Uncertain significance. Last evaluated: 2019-11-13. Review status: criteria provided, single submitter. Criteria: ACMG Guidelines, 2015. Collection method: clinical testing. Allele origin: germline.

PreventionGenetics, part of Exact Sciences
Classification: Uncertain significance for BAP1-related condition. Last evaluated: 2023-11-27. Review status: no assertion criteria provided. Collection method: clinical testing. Allele origin: germline. Not counted in ClinVar's aggregate classification.
Comment: The BAP1 c.1201_1212del12 variant is predicted to result in an in-frame deletion (p.Tyr401_Asp404del). This variant has been reported in a kidney renal clear cell carcinoma from The Cancer Genome Atlas (TCGA), as well as a gastrointestinal neuroendocrine neoplasm (Table S9, TCGA ID KIRC_3351-11A Yehia et al. 2018. PubMed ID: 29684080; Table 3, Dai et al. 2023. PubMed ID: 36653904). This variant is reported in 0.040% of alleles in individuals of Latino descent in gnomAD. It is interpreted as uncertain significance by the vast majority of submitters in ClinVar. At this time, the clinical significance of this variant is uncertain due to the absence of conclusive functional and genetic evidence.

Literature cited by the submitters: PubMed 29684080 (cited by 3 submitters); PubMed 36653904 (cited by Color Diagnostics, LLC DBA Color Health and Center for Genomic Medicine, Rigshospitalet, Copenhagen University Hospital).

NM_004656.4(BAP1):c.1201_1212del (p.Tyr401_Asp404del)

Gene: BAP1 (BRCA1 associated deubiquitinase 1; minus strand). Cytogenetic location: 3p21.1.
Variant type: Deletion.
Coding change: c.1201_1212del on transcript NM_004656.4 (MANE Select); coding-DNA positions 1201 to 1212, 12 bases deleted (TATGAGGATGAC).
Protein change: p.Tyr401_Asp404del.
Molecular consequence: inframe deletion.
Genome position (GRCh38, 1-based): chr3:52,404,491-52,404,502, GTCATCCTCATA deleted on the plus strand (TATGAGGATGAC on the coding strand, the reverse complement: BAP1 is on the minus strand); deleting any 12 consecutive bases within chr3:52,404,491-52,404,513 gives the same sequence; the c. name uses the placement nearest the transcript's 3' end. VCF-style (leftmost placement, unchanged base first): chr3-52404490-CGTCATCCTCATA-C. GRCh37 (hg19) VCF-style: chr3-52438506-CGTCATCCTCATA-C.
Other names: c.1201_1212del (LRG_529t1, NM_004656.3); c.1201_1212del12 (NM_004656.2, NM_004656.3); c.1201_1212delTATGAGGATGAC (NM_004656.4).
Identifiers: ClinVar variation 412428 (VCV000412428.37), dbSNP rs776606194, ClinGen allele CA2436874.